The following is an entry in ClinVar:

NM_000057.4(BLM):c.1641_1642insAGAAAGAGAAACCCGGCCGGGCGCGGTGGCTCACGCCTGTAATCCCAGCACTTTGGGAGGCCGAGGCGGGCGGATCACGAGGTCAGGAGATCGAGACCATCCTGGCTAACACAGTGAAACCCCGNNNNNNNNNNAAAAAAAAAAAAAAAAAAAA (p.Gln548delinsArgLysArgAsnProAlaGlyArgGlyGlySerArgLeuTer)

Gene: BLM (BLM RecQ like helicase; plus strand). Cytogenetic location: 15q26.1.
Variant type: Insertion.
Coding change: c.1641_1642insAGAAAGAGAAACCCGGCCGGGCGCGGTGGCTCACGCCTGTAATCCCAGCACTTTGGGAGGCCGAGGCGGGCGGATCACGAGGTCAGGAGATCGAGACCATCCTGGCTAACACAGTGAAACCCCGNNNNNNNNNNAAAAAAAAAAAAAAAAAAAA on transcript NM_000057.4 (MANE Select); coding-DNA positions 1641 to 1642, AGAAAGAGAAACCCGGCCGGGCGCGGTGGCTCACGCCTGTAATCCCAGCACTTTGGGAGGCCGAGGCGGGCGGATCACGAGGTCAGGAGATCGAGACCATCCTGGCTAACACAGTGAAACCCCGNNNNNNNNNNAAAAAAAAAAAAAAAAAAAA inserted.
Protein change: p.Gln548delinsArgLysArgAsnProAlaGlyArgGlyGlySerArgLeuTer.
Molecular consequence: nonsense.
Genome position: GRCh38: chr15:90,761,014-90,761,015. GRCh37 (hg19): chr15:91,304,244-91,304,245.
Other names: c.1641_1642insAGAAAGAGAAACCCGGCCGGGCGCGGTGGCTCACGCCTGTAATCCCAGCACTTTGGGAGGCCGAGGCGGGCGGATCACGAGGTCAGGAGATCGAGACCATCCTGGCTAACACAGTGAAACCCCGNNNNNNNNNNAAAAAAAAAAAAAAAAAAAA, p.Gln548delinsArgLysArgAsnProAlaGlyArgGlyGlySerArgLeuTer (NM_001287246.2, NM_001287247.2); c.516_517insAGAAAGAGAAACCCGGCCGGGCGCGGTGGCTCACGCCTGTAATCCCAGCACTTTGGGAGGCCGAGGCGGGCGGATCACGAGGTCAGGAGATCGAGACCATCCTGGCTAACACAGTGAAACCCCGNNNNNNNNNNAAAAAAAAAAAAAAAAAAAA, p.Gln173delinsArgLysArgAsnProAlaGlyArgGlyGlySerArgLeuTer (NM_001287248.2).
Identifiers: ClinVar variation 1069959 (VCV001069959.5), dbSNP rs2151158659.

ClinVar aggregate classification (germline): Pathogenic (1 of 4 stars; one submission).

Conditions:
Bloom syndrome (BLM). Also called: Bloom-Torre-Machacek syndrome. Identifiers: Orphanet 125, MedGen C0005859, MONDO:0008876, OMIM 210900.

Submission:

Labcorp Genetics (formerly Invitae), Labcorp
Classification: Pathogenic for Bloom syndrome. Last evaluated: 2020-07-15. Review status: criteria provided, single submitter. Criteria: Invitae Variant Classification Sherloc (09022015). Collection method: clinical testing. Allele origin: germline.
Comment: For these reasons, this variant has been classified as Pathogenic. Retrotransposon insertions including LINE1 (L1), Alu, and SVA (SINE-VNTR-Alu) have been reported to be disease-causing through disruption of either a coding region or splice site (PMID: 19763152, 20307669, 22406018) and loss-of-function variants in BLM are known to be pathogenic (PMID: 17407155). Algorithms developed to predict the effect of sequence changes on RNA splicing suggest that this variant may create or strengthen a splice site, but this prediction has not been confirmed by published transcriptional studies. This variant has not been reported in the literature in individuals with BLM-related conditions. This variant is not present in population databases (ExAC no frequency). This sequence change inserts a large fragment of DNA, likely a transposable element, in exon 7 of the BLM gene (c.1641_1642insAlu), causing a frameshift at codon 548 (p.Gln548fs). The exact size and sequence of the insertion cannot be determined by the current assay. However, the insertion is expected to result in an absent or disrupted protein product.

Literature cited by the submitters: PubMed 19763152; PubMed 20307669; PubMed 22406018; PubMed 17407155.